The following is an entry in ClinVar:

NM_001271938.2(MEGF8):c.3761+2T>C

Gene: MEGF8 (multiple EGF like domains 8; plus strand). Cytogenetic location: 19q13.2.
Variant type: single nucleotide variant.
Coding change: c.3761+2T>C on transcript NM_001271938.2 (MANE Select); the canonical splice donor site of the intron after coding-DNA position 3761, T replaced by C.
Molecular consequence: splice donor variant.
Genome position (GRCh38, 1-based): chr19:42,353,677, T>C. VCF-style: chr19-42353677-T-C. GRCh37 (hg19) VCF-style: chr19-42857829-T-C.
Other names: c.3560+2T>C (NM_001410.3).
Identifiers: ClinVar variation 1915186 (VCV001915186.5), dbSNP rs2514301445, ClinGen allele CA406109656.

ClinVar aggregate classification (germline): Likely pathogenic (1 of 4 stars; one submission).

Conditions:
MEGF8-related Carpenter syndrome. Also called: Carpenter syndrome 2. Identifiers: Orphanet 65759, MedGen C3554247, MONDO:0013998, OMIM 614976.

Submission:

Labcorp Genetics (formerly Invitae), Labcorp
Classification: Likely pathogenic for MEGF8-related Carpenter syndrome. Last evaluated: 2022-07-30. Review status: criteria provided, single submitter. Criteria: Invitae Variant Classification Sherloc (09022015). Collection method: clinical testing. Allele origin: germline.
Comment: In summary, the currently available evidence indicates that the variant is pathogenic, but additional data are needed to prove that conclusively. Therefore, this variant has been classified as Likely Pathogenic. Algorithms developed to predict the effect of sequence changes on RNA splicing suggest that this variant may disrupt the consensus splice site. This variant has not been reported in the literature in individuals affected with MEGF8-related conditions. This variant is not present in population databases (gnomAD no frequency). This sequence change affects a donor splice site in intron 20 of the MEGF8 gene. It is expected to disrupt RNA splicing. Variants that disrupt the donor or acceptor splice site typically lead to a loss of protein function (PMID: 16199547), and loss-of-function variants in MEGF8 are known to be pathogenic (PMID: 23063620).

Literature cited by the submitters: PubMed 16199547; PubMed 23063620.